The following is an entry in ClinVar:

ClinVar aggregate classification (germline): Uncertain significance (1 of 4 stars; one submission).

Conditions:
Hereditary cancer-predisposing syndrome. Also called: Hereditary Cancer Syndrome; Hereditary neoplastic syndrome; Neoplastic Syndromes, Hereditary; Tumor predisposition. Identifiers: Orphanet 140162, MedGen C0027672, MeSH D009386, MONDO:0015356.

Submission:

Ambry Genetics
Classification: Uncertain significance for Hereditary cancer-predisposing syndrome. Last evaluated: 2020-01-08. Review status: criteria provided, single submitter. Criteria: Ambry Variant Classification Scheme 2023. Collection method: clinical testing. Allele origin: germline.
Comment: The p.S313T variant (also known as c.937T>A), located in coding exon 4 of the BARD1 gene, results from a T to A substitution at nucleotide position 937. The serine at codon 313 is replaced by threonine, an amino acid with similar properties. This amino acid position is not well conserved in available vertebrate species. In addition, this alteration is predicted to be tolerated by in silico analysis. Since supporting evidence is limited at this time, the clinical significance of this alteration remains unclear.

NM_000465.4(BARD1):c.937T>A (p.Ser313Thr)

Gene: BARD1 (BRCA1 associated RING domain 1; minus strand). Cytogenetic location: 2q35.
Variant type: single nucleotide variant.
Coding change: c.937T>A on transcript NM_000465.4 (MANE Select); coding-DNA position 937, T replaced by A.
Protein change: p.Ser313Thr; replaces serine 313 with threonine.
Molecular consequence: missense variant. On other transcripts: non-coding transcript variant (2), intron variant (3).
Genome position (GRCh38, 1-based): chr2:214,780,937, A>T on the plus strand (T>A on the coding strand, the complement: BARD1 is on the minus strand). VCF-style: chr2-214780937-A-T. GRCh37 (hg19) VCF-style: chr2-215645661-A-T.
Other names: c.880T>A, p.Ser294Thr (NM_001282543.2); c.159-28382T>A (NM_001282548.2); c.215+16124T>A (NM_001282545.2); c.364+11360T>A (NM_001282549.2); short protein forms S294T, S313T.
Identifiers: ClinVar variation 1766747 (VCV001766747.2), dbSNP rs2469506415, ClinGen allele CA350454931.